The following is an entry in ClinVar:

ClinVar aggregate classification (germline): Benign. Review status: criteria provided, single submitter (1 of 4 stars). 2 submissions from 2 submitters: Benign (1). 1 of the submissions does not count toward it. Last evaluated 2026-02-01.

Conditions:
PKD1L1-related disorder. Also called: PKD1L1-related condition.

Allele frequency attached by ClinVar (database versions not stated): 1000 Genomes Project 0.03974; 1000 Genomes Project 30x 0.04247; gnomAD 0.04747; TOPMed 0.05350; ESP Exome Variant Server 0.05705.
gnomAD v4.1: 24,008 of 1,614,074 alleles (1.5%); highest among the groups gnomAD compares: African/African-American, 14%; 871 homozygotes.

Submissions (2):

Labcorp Genetics (formerly Invitae), Labcorp
Classification: Benign. Last evaluated: 2026-02-01. Review status: criteria provided, single submitter. Criteria: Invitae Variant Classification Sherloc (09022015). Collection method: clinical testing. Allele origin: germline.

PreventionGenetics, part of Exact Sciences
Classification: Benign for PKD1L1-related condition. Last evaluated: 2019-06-17. Review status: no assertion criteria provided. Collection method: clinical testing. Allele origin: germline. Not counted in ClinVar's aggregate classification.
Comment: This variant is classified as benign based on ACMG/AMP sequence variant interpretation guidelines (Richards et al. 2015 PMID: 25741868, with internal and published modifications).

NM_138295.5(PKD1L1):c.3004A>C (p.Thr1002Pro)

Gene: PKD1L1 (polycystin 1 like 1, transient receptor potential channel interacting; minus strand). Cytogenetic location: 7p12.3.
Variant type: single nucleotide variant.
Coding change: c.3004A>C on transcript NM_138295.5 (MANE Select); coding-DNA position 3004, A replaced by C.
Protein change: p.Thr1002Pro; replaces threonine 1002 with proline.
Molecular consequence: missense variant.
Genome position (GRCh38, 1-based): chr7:47,885,887, T>G on the plus strand (A>C on the coding strand, the complement: PKD1L1 is on the minus strand). VCF-style: chr7-47885887-T-G. GRCh37 (hg19) VCF-style: chr7-47925485-T-G.
Other names: c.3004A>C (NM_138295.3); short protein forms T1002P.
Identifiers: ClinVar variation 2039469 (VCV002039469.6), dbSNP rs113527998, ClinGen allele CA4253563.
Genomic context (GRCh38, chr7:47,885,887, plus strand): 5'-CAGGAGGAATCCAGTAGACTCCAGTCATGGGCTCTGTGGGGGTTCCCCTTGGAGCTGAAG[T>G]GGCAGGTTGGCCAAGGGTCACGGGTGAAGGTTCCCGTGAGAATGGTGTGGTCGTTGCATC-3'
Protein context (NP_612152.1, residues 992-1012): PSPVTLGQPA[Thr1002Pro]SAPRGTPTEP